The following is an entry in ClinVar:

NM_017636.4(TRPM4):c.2888T>C (p.Leu963Pro)

Gene: TRPM4 (transient receptor potential cation channel subfamily M member 4; plus strand). Cytogenetic location: 19q13.33.
Variant type: single nucleotide variant.
Coding change: c.2888T>C on transcript NM_017636.4 (MANE Select); coding-DNA position 2888, T replaced by C.
Protein change: p.Leu963Pro; replaces leucine 963 with proline.
Molecular consequence: missense variant.
Genome position (GRCh38, 1-based): chr19:49,200,720, T>C. VCF-style: chr19-49200720-T-C. GRCh37 (hg19) VCF-style: chr19-49703977-T-C.
Other names: c.2453T>C, p.Leu818Pro (NM_001195227.2); c.2543T>C, p.Leu848Pro (NM_001321281.2); c.1280T>C, p.Leu427Pro (NM_001321282.2); c.2366T>C, p.Leu789Pro (NM_001321283.2); c.1826T>C, p.Leu609Pro (NM_001321285.2); short protein forms L963P, L609P, L427P, L848P, L789P, L818P.
Identifiers: ClinVar variation 2845540 (VCV002845540.3), dbSNP rs1375720421, ClinGen allele CA406812036.

ClinVar aggregate classification (germline): Uncertain significance (1 of 4 stars; one submission).

Conditions:
Progressive familial heart block type IB (PFHB1B). Identifiers: Orphanet 871, MedGen C1970298, MONDO:0011474, OMIM 604559.

Submission:

Labcorp Genetics (formerly Invitae), Labcorp
Classification: Uncertain significance for Progressive familial heart block type IB. Last evaluated: 2023-03-14. Review status: criteria provided, single submitter. Criteria: Invitae Variant Classification Sherloc (09022015). Collection method: clinical testing. Allele origin: germline.
Comment: In summary, the available evidence is currently insufficient to determine the role of this variant in disease. Therefore, it has been classified as a Variant of Uncertain Significance. An algorithm developed to predict the effect of missense changes on protein structure and function (PolyPhen-2) suggests that this variant is likely to be disruptive. This variant has not been reported in the literature in individuals affected with TRPM4-related conditions. This variant is not present in population databases (gnomAD no frequency). This sequence change replaces leucine, which is neutral and non-polar, with proline, which is neutral and non-polar, at codon 963 of the TRPM4 protein (p.Leu963Pro).